The following is an entry in ClinVar:

ClinVar aggregate classification (germline): Benign/Likely benign. Review status: criteria provided, multiple submitters, no conflicts (2 of 4 stars). 11 submissions from 11 submitters: Benign (8); Likely benign (2). 1 of the submissions does not count toward it. Last evaluated 2026-04-06.

Conditions:
ADGRV1-related disorder. Also called: ADGRV1-related condition; ADGRV1-related disorders.
Usher syndrome type 1 (USH1). Also called: RETINITIS PIGMENTOSA AND CONGENITAL DEAFNESS. Identifiers: Orphanet 231169, Orphanet 886, MedGen C1568247, MONDO:0010168, OMIM 276900.
Usher syndrome type 2C. Also called: Usher syndrome, type 2B; USHER SYNDROME, TYPE IIC. Identifiers: Orphanet 231178, Orphanet 886, MedGen C2931213, MONDO:0011558, OMIM 605472.

Allele frequency attached by ClinVar (database versions not stated): gnomAD 0.00003 and 0.00027; TOPMed 0.00004; gnomAD exomes 0.00042 and 0.00095; ExAC 0.00105; 1000 Genomes Project 30x 0.00156; 1000 Genomes Project 0.00160.
gnomAD v4.1: 637 of 1,578,762 alleles (0.04%); highest among the groups gnomAD compares: South Asian, 0.73%; 7 homozygotes.

Submissions (11):

Women's Health and Genetics/Laboratory Corporation of America, LabCorp
Classification: Benign. Last evaluated: 2026-04-06. Review status: criteria provided, single submitter. Criteria: LabCorp Variant Classification Summary - May 2015. Collection method: clinical testing. Allele origin: germline.
Comment: Variant summary: ADGRV1 c.16377G>T (p.Gln5459His) results in a non-conservative amino acid change in the encoded protein sequence. Algorithms developed to predict the effect of missense changes on protein structure and function are either unavailable or do not agree on the potential impact of this missense change. The variant allele was found at a frequency of 0.00095 in 243394 control chromosomes, predominantly at a frequency of 0.0077 within the South Asian subpopulation in the gnomAD database, including 2 homozygotes. The observed variant frequency within South Asian control individuals in the gnomAD database exceeds the estimated maximal expected allele frequency for disease-causing variants in ADGRV1, suggesting the variant is benign. c.16377G>T has been observed in at least one heterozygous individual affected with Usher Syndrome type I who was homozygous for a co-occurring variant MYO7A c.3904del, p. Y1302fsX97 (e.g. Bonnet_2011), providing additional supporting evidence for a benign role. To our knowledge, no experimental evidence demonstrating an impact on protein function has been reported. The following publication has been ascertained in the context of this evaluation (PMID: 21569298). ClinVar contains an entry for this variant (Variation ID: 163623). Based on the evidence outlined above, the variant was classified as benign.

Labcorp Genetics (formerly Invitae), Labcorp
Classification: Benign. Last evaluated: 2026-01-28. Review status: criteria provided, single submitter. Criteria: Invitae Variant Classification Sherloc (09022015). Collection method: clinical testing. Allele origin: germline.

CeGaT Center for Human Genetics Tuebingen
Classification: Likely benign. Last evaluated: 2025-11-01. Review status: criteria provided, single submitter. Criteria: CeGaT Center For Human Genetics Tuebingen Variant Classification Criteria Version 2. Collection method: clinical testing. Allele origin: germline. Affected: yes. Observed: 2 variant alleles.
Comment: ADGRV1: BP4

Athena Diagnostics
Classification: Benign. Last evaluated: 2025-10-01. Review status: criteria provided, single submitter. Criteria: Athena Diagnostics Criteria. Collection method: clinical testing. Allele origin: unknown.
Comment: The frequency of this variant in the general population is higher than would generally be expected for pathogenic variants in this gene. Computational tools predict this amino acid change may be benign.

PreventionGenetics, part of Exact Sciences
Classification: Likely benign for ADGRV1-related condition. Last evaluated: 2025-05-27. Review status: criteria provided, single submitter. Criteria: ACMG Guidelines, 2015. Collection method: clinical testing. Allele origin: germline.
Comment: This variant is classified as likely benign based on ACMG/AMP sequence variant interpretation guidelines (Richards et al. 2015 PMID: 25741868, with internal and published modifications).

Illumina Laboratory Services, Illumina
Classification: Benign for Usher syndrome type 2C. Last evaluated: 2025-04-08. Review status: criteria provided, single submitter. Criteria: ICSLVariantClassificationCriteria RUGD 01 April 2020. Collection method: clinical testing. Allele origin: unknown.

Blueprint Genetics
Classification: Benign. Last evaluated: 2024-10-04. Review status: criteria provided, single submitter. Criteria: ACMG Guidelines, 2015. Collection method: clinical testing. Allele origin: germline.

GeneDx
Classification: Benign. Last evaluated: 2020-07-21. Review status: criteria provided, single submitter. Criteria: GeneDx Variant Classification Process June 2021. Collection method: clinical testing. Allele origin: germline. Affected: yes.
Comment: This variant is associated with the following publications: (PMID: 30245029, 21569298)

Mendelics
Classification: Benign for Usher syndrome type 2C. Last evaluated: 2019-05-28. Review status: criteria provided, single submitter. Criteria: Mendelics Assertion Criteria 2017. Collection method: clinical testing. Allele origin: unknown.

Laboratory for Molecular Medicine, Mass General Brigham Personalized Medicine
Classification: Benign. Last evaluated: 2015-03-02. Review status: criteria provided, single submitter. Criteria: LMM Criteria. Collection method: clinical testing. Allele origin: germline. Observed: 4 variant alleles.
Comment: p.Gln5459His in exon 77 of GPR98: This variant is not expected to have clinical significance because it has been identified in 0.7% (120/16090) of South Asian c hromosomes by the Exome Aggregation Consortium (ExAC .org). In addition, the Gln5459 residue is not highly conserved across species, including mammals. Of note, tree shrew has a histidine (His) at this position de spite high nearby amino acid conservation. In addition, computational analyses ( PolyPhen2, SIFT, AlignGVGD) predict that the variant may not impact the protein.

GeneReviews
Classification: Likely pathogenic for Usher syndrome type 1. Last evaluated: 2016-05-19. Review status: flagged submission. Collection method: literature only. Allele origin: germline. Affected: yes. Not counted in ClinVar's aggregate classification.
ClinVar note: Reason: Older and outlier claim with insufficient supporting evidence

Literature cited by the submitters: PubMed 21569298 (cited by 4 submitters); PubMed 30245029 (cited by Athena Diagnostics).

NM_032119.4(ADGRV1):c.16377G>T (p.Gln5459His)

Gene: ADGRV1 (adhesion G protein-coupled receptor V1; plus strand). Cytogenetic location: 5q14.3.
Variant type: single nucleotide variant.
Coding change: c.16377G>T on transcript NM_032119.4 (MANE Select); coding-DNA position 16377, G replaced by T.
Protein change: p.Gln5459His; replaces glutamine 5459 with histidine.
Molecular consequence: missense variant. On other transcripts: non-coding transcript variant (1).
Genome position (GRCh38, 1-based): chr5:90,828,952, G>T. VCF-style: chr5-90828952-G-T. GRCh37 (hg19) VCF-style: chr5-90124769-G-T.
Other names: short protein forms Q5459H.
Identifiers: ClinVar variation 163623 (VCV000163623.48), dbSNP rs371947306, ClinGen allele CA176244.
Genomic context (GRCh38, chr5:90,828,952, plus strand): 5'-GATAGAAATATATTAGTAATAGTTGTTTTTTTTTCCTTTTTCTCATTGTCAGGTACCACA[G>T]GTTGAAGTGTATTTTTTTGTGGAACTATATGAAGCTACTGCTGGAGCAGCAATAAACAAC-3'
Protein context (NP_115495.3, residues 5449-5469): SIELKPEKVP[Gln5459His]VEVYFFVELY